The following is an entry in ClinVar:

NC_000004.11:g.(?_170482818)_(170523781_?)dup

Gene: NEK1 (NIMA related kinase 1; minus strand). Cytogenetic location: 4q33.
Variant type: Duplication.
Identifiers: ClinVar variation 3246587 (VCV003246587.1).

ClinVar aggregate classification (germline): Uncertain significance (1 of 4 stars; one submission).

Conditions:
Short-rib thoracic dysplasia 6 with or without polydactyly (SRTD6). Also called: Majewski Syndrome; SHORT-RIB THORACIC DYSPLASIA 6 WITH POLYDACTYLY; SHORT-RIB THORACIC DYSPLASIA 6 WITHOUT POLYDACTYLY; POLYDACTYLY WITH NEONATAL CHONDRODYSTROPHY, TYPE II; SHORT RIB-POLYDACTYLY SYNDROME, TYPE IIA. Identifiers: MedGen C0024507, MONDO:0009894, OMIM 263520.

Submission:

Labcorp Genetics (formerly Invitae), Labcorp
Classification: Uncertain significance for Short-rib thoracic dysplasia 6 with or without polydactyly. Last evaluated: 2023-01-27. Review status: criteria provided, single submitter. Criteria: Invitae Variant Classification Sherloc (09022015). Collection method: clinical testing. Allele origin: unknown.
Comment: In summary, the available evidence is currently insufficient to determine the role of this variant in disease. Therefore, it has been classified as a Variant of Uncertain Significance. Experimental studies and prediction algorithms are not available or were not evaluated, and the functional significance of this variant is currently unknown. This variant has not been reported in the literature in individuals affected with NEK1-related conditions. This variant results in a copy number gain of the genomic region encompassing exon(s) 2-14 of the NEK1 gene. This region includes the initiator codon of the gene. This copy number gain extends beyond the assayed region for this gene and therefore may encompass additional genes. As the precise location of this event is unknown, it may be in tandem or it may be located elsewhere in the genome.